The following is an entry in ClinVar:

ClinVar aggregate classification (germline): Uncertain significance. Review status: criteria provided, multiple submitters, no conflicts (2 of 4 stars). 2 submissions from 2 submitters: Uncertain significance (2). Last evaluated 2025-02-03.

Conditions:
Inborn genetic diseases. Identifiers: MedGen C0950123, MeSH D030342.
Nephronophthisis. Also called: Juvenile Nephronophthisis. Identifiers: Orphanet 655, MedGen C0687120, MONDO:0019005, HP:0000090.
Jeune thoracic dystrophy. Also called: Jeune syndrome; Infantile thoracic dystrophy; Thoracic pelvic phalangeal dystrophy; Jeune's syndrome; Chondroectodermal dysplasia-like syndrome; Short-rib thoracic dysplasia. Identifiers: Orphanet 474, MedGen C0265275, MONDO:0018770.

Allele frequency attached by ClinVar (database versions not stated): gnomAD 0.00001; TOPMed 0.00001; ExAC 0.00002; gnomAD exomes 0.00002.
gnomAD v4.1: 13 of 1,610,604 alleles (0.00081%); highest among the groups gnomAD compares: East Asian, 0.027%; no homozygotes.

Submissions (2):

Ambry Genetics
Classification: Uncertain significance for Inborn genetic diseases. Last evaluated: 2025-02-03. Review status: criteria provided, single submitter. Criteria: Ambry Variant Classification Scheme 2023. Collection method: clinical testing. Allele origin: germline.

Labcorp Genetics (formerly Invitae), Labcorp
Classification: Uncertain significance for Jeune thoracic dystrophy; Nephronophthisis. Last evaluated: 2024-05-22. Review status: criteria provided, single submitter. Criteria: Invitae Variant Classification Sherloc (09022015). Collection method: clinical testing. Allele origin: germline.
Comment: This sequence change replaces proline, which is neutral and non-polar, with alanine, which is neutral and non-polar, at codon 563 of the TTC21B protein (p.Pro563Ala). This variant is present in population databases (rs757173737, gnomAD 0.03%). This variant has not been reported in the literature in individuals affected with TTC21B-related conditions. ClinVar contains an entry for this variant (Variation ID: 942599). Advanced modeling of protein sequence and biophysical properties (such as structural, functional, and spatial information, amino acid conservation, physicochemical variation, residue mobility, and thermodynamic stability) performed at Invitae indicates that this missense variant is not expected to disrupt TTC21B protein function with a negative predictive value of 80%. In summary, the available evidence is currently insufficient to determine the role of this variant in disease. Therefore, it has been classified as a Variant of Uncertain Significance.

NM_024753.5(TTC21B):c.1687C>G (p.Pro563Ala)

Gene: TTC21B (tetratricopeptide repeat domain 21B; minus strand). Cytogenetic location: 2q24.3.
Variant type: single nucleotide variant.
Coding change: c.1687C>G on transcript NM_024753.5 (MANE Select); coding-DNA position 1687, C replaced by G.
Protein change: p.Pro563Ala; replaces proline 563 with alanine.
Molecular consequence: missense variant.
Genome position (GRCh38, 1-based): chr2:165,917,469, G>C on the plus strand (C>G on the coding strand, the complement: TTC21B is on the minus strand). VCF-style: chr2-165917469-G-C. GRCh37 (hg19) VCF-style: chr2-166773979-G-C.
Other names: c.1687C>G (NM_024753.3); short protein forms P563A.
Identifiers: ClinVar variation 942599 (VCV000942599.9), dbSNP rs757173737, ClinGen allele CA1942039.